The following is an entry in ClinVar:

ClinVar aggregate classification (germline): Pathogenic. Review status: criteria provided, single submitter (1 of 4 stars). 2 submissions from 2 submitters: Pathogenic (1). 1 of the submissions does not count toward it. Last evaluated 2024-12-24.

Conditions:
Malignant hyperthermia, susceptibility to, 5 (MHS5). Also called: CACNA1S-Related Malignant Hyperthermia Susceptibility. Identifiers: Orphanet 423, MedGen C1866077, MONDO:0011163, OMIM 601887.
Hypokalemic periodic paralysis, type 1. Also called: Hypokalemic Periodic Paralysis Type 1 (AD); HypoPP. Identifiers: Orphanet 681, MedGen C3714580, MONDO:0042979, OMIM 170400.

Submissions (2):

Labcorp Genetics (formerly Invitae), Labcorp
Classification: Pathogenic for Hypokalemic periodic paralysis, type 1; Malignant hyperthermia, susceptibility to, 5. Last evaluated: 2024-12-24. Review status: criteria provided, single submitter. Criteria: Invitae Variant Classification Sherloc (09022015). Collection method: clinical testing. Allele origin: germline.
Comment: This sequence change replaces arginine, which is basic and polar, with serine, which is neutral and polar, at codon 900 of the CACNA1S protein (p.Arg900Ser). This variant is not present in population databases (gnomAD no frequency). This missense change has been observed in individuals with clinical features of autosomal dominant hypokalemic periodic paralysis (PMID: 19118277, 25213595, 26433613; internal data). It has also been observed to segregate with disease in related individuals. ClinVar contains an entry for this variant (Variation ID: 1723135). Invitae Evidence Modeling of protein sequence and biophysical properties (such as structural, functional, and spatial information, amino acid conservation, physicochemical variation, residue mobility, and thermodynamic stability) indicates that this missense variant is not expected to disrupt CACNA1S protein function with a negative predictive value of 95%. Experimental studies are conflicting or provide insufficient evidence to determine the effect of this variant on CACNA1S function (PMID: 34463712). This variant disrupts the p.Arg900 amino acid residue in CACNA1S. Other variant(s) that disrupt this residue have been observed in individuals with CACNA1S-related conditions (PMID: 21855088), which suggests that this may be a clinically significant amino acid residue. For these reasons, this variant has been classified as Pathogenic.

Department of Neurology and Geriatrics, Kagoshima University Graduate School of Medical and Dental Sciences
Classification: Pathogenic for Hypokalemic periodic paralysis, type 1. Last evaluated: 2022-04-12. Review status: no assertion criteria provided. Collection method: research. Allele origin: germline. Affected: yes. Not counted in ClinVar's aggregate classification.

Literature cited by the submitters: PubMed 19118277 (cited by Labcorp Genetics (formerly Invitae), Labcorp); PubMed 25213595 (cited by Labcorp Genetics (formerly Invitae), Labcorp); PubMed 26433613 (cited by Labcorp Genetics (formerly Invitae), Labcorp); PubMed 34463712 (cited by Labcorp Genetics (formerly Invitae), Labcorp); PubMed 21855088 (cited by Labcorp Genetics (formerly Invitae), Labcorp).

NM_000069.3(CACNA1S):c.2700G>C (p.Arg900Ser)

Gene: CACNA1S (calcium voltage-gated channel subunit alpha1 S; minus strand). Cytogenetic location: 1q32.1.
Variant type: single nucleotide variant.
Coding change: c.2700G>C on transcript NM_000069.3 (MANE Select); coding-DNA position 2700, G replaced by C.
Protein change: p.Arg900Ser; replaces arginine 900 with serine.
Molecular consequence: missense variant.
Genome position (GRCh38, 1-based): chr1:201,066,274, C>G on the plus strand (G>C on the coding strand, the complement: CACNA1S is on the minus strand). VCF-style: chr1-201066274-C-G. GRCh37 (hg19) VCF-style: chr1-201035402-C-G.
Other names: short protein forms R900S.
Identifiers: ClinVar variation 1723135 (VCV001723135.6), dbSNP rs2102582533, ClinGen allele CA344102474.
Genomic context (GRCh38, chr1:201,066,274, plus strand): 5'-CGGGCCCTCTCTCACCTTCAACCCCTTGGCTCTGTTGATGGCTCTGAGTGGTCGGAGCAC[C>G]CTCAGCACCCTCAGGATCTTCACCACGGAGATGGCACTGGACCTGGGGGGCGGCAATGGT-3'
Protein context (NP_000060.2, residues 890-910): ISVVKILRVL[Arg900Ser]VLRPLRAINR